The following is an entry in ClinVar:

NM_001081.4(CUBN):c.6433T>G (p.Ser2145Ala)

Gene: CUBN (cubilin; minus strand). Cytogenetic location: 10p13.
Variant type: single nucleotide variant.
Coding change: c.6433T>G on transcript NM_001081.4 (MANE Select); coding-DNA position 6433, T replaced by G.
Protein change: p.Ser2145Ala; replaces serine 2145 with alanine.
Molecular consequence: missense variant.
Genome position (GRCh38, 1-based): chr10:16,925,613, A>C on the plus strand (T>G on the coding strand, the complement: CUBN is on the minus strand). VCF-style: chr10-16925613-A-C. GRCh37 (hg19) VCF-style: chr10-16967612-A-C.
Other names: p.Ser2145Ala; short protein forms S2145A.
Identifiers: ClinVar variation 4541529 (VCV004541529.1).

ClinVar aggregate classification (germline): Uncertain significance (1 of 4 stars; one submission).

gnomAD v4.1: 1 of 1,613,948 alleles (0.000062%); highest among the groups gnomAD compares: Non-Finnish European, 0.000085%; no homozygotes.

Submission:

Mayo Clinic Laboratories, Mayo Clinic
Classification: Uncertain significance. Last evaluated: 2025-09-28. Review status: criteria provided, single submitter. Criteria: ACMG Guidelines, 2015. Collection method: clinical testing. Allele origin: germline. Observed: 1 variant allele.
Comment: BP4_moderate, PM2_supporting